The following is an entry in ClinVar:

ClinVar aggregate classification (germline): Pathogenic (0 of 4 stars; one submission).

Conditions:
Retinoblastoma (RB1). Also called: RETINOBLASTOMA, SOMATIC. Identifiers: Orphanet 790, MedGen C0035335, MeSH D012175, MONDO:0008380, OMIM 180200, HP:0009919. Disease mechanism: loss of function. Inheritance: Both sporadic and heritable forms are tested..

Submission:

Medical Molecular Genetics, University of Birmingham
Classification: Pathogenic for Retinoblastoma. Last evaluated: 2011-08-01. Review status: no assertion criteria provided. Collection method: clinical testing. Allele origin: germline. Inheritance: Autosomal dominant inheritance. Affected: yes.
Comment: Clinically treated as causative

NM_000321.3(RB1):c.1907del (p.Phe636fs)

Gene: RB1 (RB transcriptional corepressor 1; plus strand). Cytogenetic location: 13q14.2.
Variant type: Deletion.
Coding change: c.1907del on transcript NM_000321.3 (MANE Select); coding-DNA position 1907, one base deleted (T; older notation c.1907delT).
Protein change: p.Phe636fs; shifts the reading frame from phenylalanine 636.
Molecular consequence: frameshift variant.
Genome position (GRCh38, 1-based): chr13:48,456,296, T deleted; the last of 2 consecutive T bases (chr13:48,456,295-48,456,296); deleting either gives the same sequence. VCF-style (leftmost placement, unchanged base first): chr13-48456294-CT-C. GRCh37 (hg19) VCF-style: chr13-49030430-CT-C.
Other names: c.1907delT (NM_000321.2); short protein forms F636fs.
Identifiers: ClinVar variation 139570 (VCV000139570.1), dbSNP rs587781257, ClinGen allele CA026406.